The following is an entry in ClinVar:

NM_173689.7(CRB2):c.2551C>T (p.Gln851Ter)

Gene: CRB2 (crumbs cell polarity complex component 2; plus strand). Cytogenetic location: 9q33.3.
Variant type: single nucleotide variant.
Coding change: c.2551C>T on transcript NM_173689.7 (MANE Select); coding-DNA position 2551, C replaced by T.
Protein change: p.Gln851Ter; replaces glutamine 851 with a stop codon.
Molecular consequence: nonsense. On other transcripts: non-coding transcript variant (1).
Genome position (GRCh38, 1-based): chr9:123,372,291, C>T. VCF-style: chr9-123372291-C-T. GRCh37 (hg19) VCF-style: chr9-126134570-C-T.
Other names: short protein forms Q851*.
Identifiers: ClinVar variation 2629627 (VCV002629627.1), dbSNP rs112885646, ClinGen allele CA374866852.

ClinVar aggregate classification (germline): Likely pathogenic (1 of 4 stars; one submission).

Conditions:
CRB2-related disorder. Also called: CRB2-related condition; CRB2-related disorders.

Submission:

PreventionGenetics, part of Exact Sciences
Classification: Likely pathogenic for CRB2-related condition. Last evaluated: 2023-01-03. Review status: criteria provided, single submitter. Criteria: ACMG Guidelines, 2015. Collection method: clinical testing. Allele origin: germline.
Comment: The CRB2 c.2551C>T variant is predicted to result in premature protein termination (p.Gln851*). To our knowledge, this variant has not been reported in the literature or in a large population database, indicating this variant is rare. Nonsense variants in CRB2 are expected to be pathogenic. This variant is interpreted as likely pathogenic.